The following is an entry in ClinVar:

ClinVar aggregate classification (germline): Conflicting classifications of pathogenicity. Review status: criteria provided, conflicting classifications (1 of 4 stars). 8 submissions from 8 submitters: Uncertain significance (3); Benign (1); Likely benign (3). 1 of the submissions does not count toward it. Last evaluated 2026-01-28.

Conditions:
Inborn genetic diseases. Identifiers: MedGen C0950123, MeSH D030342.
Neuronal ceroid lipofuscinosis 2. Also called: TPP1-Related Neuronal Ceroid-Lipofuscinosis; JANSKY-BIELSCHOWSKY DISEASE NEURONAL CEROID LIPOFUSCINOSIS, LATE INFANTILE. Identifiers: Orphanet 168491, Orphanet 228349, Orphanet 79264, MedGen C1876161, MONDO:0008769, OMIM 204500.

Allele frequency attached by ClinVar (database versions not stated): ExAC 0.00024; gnomAD 0.00080 and 0.00088; ESP Exome Variant Server 0.00092; TOPMed 0.00096; 1000 Genomes Project 0.00120; 1000 Genomes Project 30x 0.00125.
gnomAD v4.1: 236 of 1,614,216 alleles (0.015%); highest among the groups gnomAD compares: African/African-American, 0.28%; no homozygotes.

Submissions (8):

Labcorp Genetics (formerly Invitae), Labcorp
Classification: Likely benign. Last evaluated: 2026-01-28. Review status: criteria provided, single submitter. Criteria: Invitae Variant Classification Sherloc (09022015). Collection method: clinical testing. Allele origin: germline.

GeneDx
Classification: Uncertain significance. Last evaluated: 2025-10-09. Review status: criteria provided, single submitter. Criteria: GeneDx Variant Classification Process June 2021. Collection method: clinical testing. Allele origin: germline. Affected: yes.
Comment: In silico analysis supports that this missense variant has a deleterious effect on protein structure/function; Has not been previously published as pathogenic or benign to our knowledge

Mayo Clinic Laboratories, Mayo Clinic
Classification: Likely benign. Last evaluated: 2025-03-24. Review status: criteria provided, single submitter. Criteria: ACMG Guidelines, 2015. Collection method: clinical testing. Allele origin: germline. Observed: 2 variant alleles.
Comment: BS1, BP4

Blueprint Genetics
Classification: Benign. Last evaluated: 2024-05-03. Review status: criteria provided, single submitter. Criteria: ACMG Guidelines, 2015. Collection method: clinical testing. Allele origin: germline.

Ambry Genetics
Classification: Likely benign for Inborn genetic diseases. Last evaluated: 2023-01-23. Review status: criteria provided, single submitter. Criteria: Ambry Variant Classification Scheme 2023. Collection method: clinical testing. Allele origin: germline.

Revvity Omics, Revvity
Classification: Uncertain significance. Last evaluated: 2021-04-19. Review status: criteria provided, single submitter. Criteria: ACMG Guidelines, 2015. Collection method: clinical testing. Allele origin: germline.

Athena Diagnostics
Classification: Uncertain significance. Last evaluated: 2017-01-26. Review status: criteria provided, single submitter. Criteria: Athena Diagnostics Criteria. Collection method: clinical testing. Allele origin: germline.

Natera, Inc.
Classification: Uncertain significance for Neuronal ceroid lipofuscinosis 2. Last evaluated: 2020-04-14. Review status: no assertion criteria provided. Collection method: clinical testing. Allele origin: germline. Not counted in ClinVar's aggregate classification.

Literature cited by the submitters: PubMed 36539902 (cited by Mayo Clinic Laboratories, Mayo Clinic).

NM_000391.4(TPP1):c.260A>G (p.Asp87Gly)

Gene: TPP1 (tripeptidyl peptidase 1; minus strand). Cytogenetic location: 11p15.4.
Variant type: single nucleotide variant.
Coding change: c.260A>G on transcript NM_000391.4 (MANE Select); coding-DNA position 260, A replaced by G.
Protein change: p.Asp87Gly; replaces aspartic acid 87 with glycine.
Molecular consequence: missense variant.
Genome position (GRCh38, 1-based): chr11:6,617,746, T>C on the plus strand (A>G on the coding strand, the complement: TPP1 is on the minus strand). VCF-style: chr11-6617746-T-C. GRCh37 (hg19) VCF-style: chr11-6638977-T-C.
Other names: p.D87G:GAT>GGT; short protein forms D87G.
Identifiers: ClinVar variation 207551 (VCV000207551.30), dbSNP rs148064565, ClinGen allele CA319132.